The following is an entry in ClinVar:

ClinVar aggregate classification (germline): Uncertain significance (1 of 4 stars; one submission).

Conditions:
Hereditary cancer-predisposing syndrome. Also called: Hereditary Cancer Syndrome; Tumor predisposition; Hereditary neoplastic syndrome; Neoplastic Syndromes, Hereditary. Identifiers: Orphanet 140162, MedGen C0027672, MeSH D009386, MONDO:0015356.

Submission:

Hereditary Cancer Group, L’Institut d'Investigació Biomèdica de Bellvitge
Classification: Uncertain significance for Hereditary cancer-predisposing syndrome. Last evaluated: 2024-12-19. Review status: criteria provided, single submitter. Criteria: Hatton et al. (Hum Mutat. 2023). Collection method: clinical testing. Allele origin: germline. Inheritance: Autosomal dominant inheritance. Affected: yes.
Comment: PM2_supporting, BP4

NM_177438.3(DICER1):c.4964C>G (p.Ala1655Gly)

Gene: DICER1 (dicer 1, ribonuclease III; minus strand). Cytogenetic location: 14q32.13.
Variant type: single nucleotide variant.
Coding change: c.4964C>G on transcript NM_177438.3 (MANE Select); coding-DNA position 4964, C replaced by G.
Protein change: p.Ala1655Gly; replaces alanine 1655 with glycine.
Molecular consequence: missense variant. On other transcripts: non-coding transcript variant (6).
Genome position (GRCh38, 1-based): chr14:95,095,956, G>C on the plus strand (C>G on the coding strand, the complement: DICER1 is on the minus strand). VCF-style: chr14-95095956-G-C. GRCh37 (hg19) VCF-style: chr14-95562293-G-C.
Other names: c.4964C>G, p.Ala1655Gly (NM_001195573.1, NM_001271282.3, NM_001291628.2 and 12 more transcripts); c.4682C>G, p.Ala1561Gly (NM_001395686.1); c.4559C>G, p.Ala1520Gly (NM_001395687.1, NM_001395688.1, NM_001395689.1 and 2 more transcripts); c.4397C>G, p.Ala1466Gly (NM_001395691.1); c.3281C>G, p.Ala1094Gly (NM_001395697.1); short protein forms A1094G, A1466G, A1520G, A1561G, A1655G.
Identifiers: ClinVar variation 3393372 (VCV003393372.1).